The following is an entry in ClinVar:

NM_003743.5(NCOA1):c.3954C>T (p.Thr1318=)

Gene: NCOA1 (nuclear receptor coactivator 1; plus strand). Cytogenetic location: 2p23.3.
Variant type: single nucleotide variant.
Coding change: c.3954C>T on transcript NM_003743.5 (MANE Select); coding-DNA position 3954, C replaced by T.
Protein change: p.Thr1318=; no amino-acid change (threonine 1318 retained).
Molecular consequence: synonymous variant.
Genome position (GRCh38, 1-based): chr2:24,758,045, C>T. VCF-style: chr2-24758045-C-T. GRCh37 (hg19) VCF-style: chr2-24980914-C-T.
Other names: c.3954C>T, p.Thr1318= (NM_001362950.1, NM_001362952.1, NM_001362954.1 and 3 more transcripts).
Identifiers: ClinVar variation 3048366 (VCV003048366.2), dbSNP rs201899339, ClinGen allele CA1552761.

ClinVar aggregate classification (germline): Uncertain significance (0 of 4 stars; one submission).

Conditions:
NCOA1-related disorder. Also called: NCOA1-related condition.

Allele frequency attached by ClinVar (database versions not stated): ExAC 0.00002; gnomAD exomes 0.00003; gnomAD 0.00005; TOPMed 0.00005.
gnomAD v4.1: 47 of 1,614,042 alleles (0.0029%); highest among the groups gnomAD compares: Middle Eastern, 0.016%; no homozygotes.

Submission:

PreventionGenetics, part of Exact Sciences
Classification: Uncertain significance for NCOA1-related condition. Last evaluated: 2023-12-04. Review status: no assertion criteria provided. Collection method: clinical testing. Allele origin: germline.
Comment: The NCOA1 c.3954C>T variant is not predicted to result in an amino acid change (p.=). This variant is predicted to create a cryptic splice acceptor site according to an in silico splicing algorithm (SpliceAI, Jaganathan K, et al. 2019. PubMed ID: 30661751). To our knowledge, this variant has not been reported in the literature. This variant is reported in 0.013% of alleles in individuals of South Asian descent in gnomAD. At this time, the clinical significance of this variant is uncertain due to the absence of conclusive functional and genetic evidence.